The following is an entry in ClinVar:

ClinVar aggregate classification (germline): Likely benign (1 of 4 stars; one submission).

Allele frequency attached by ClinVar (database versions not stated): gnomAD 0.00490 and 0.00521; 1000 Genomes Project 0.00530; TOPMed 0.00553; 1000 Genomes Project 30x 0.00624.
gnomAD v4.1: 546 of 111,841 alleles (0.49%); highest among the groups gnomAD compares: African/African-American, 1.7%; 4 homozygotes.

Submission:

GeneDx
Classification: Likely benign. Last evaluated: 2018-06-14. Review status: criteria provided, single submitter. Criteria: GeneDx Variant Classification (06012015). Collection method: clinical testing. Allele origin: germline. Affected: yes.
Comment: This variant is considered likely benign or benign based on one or more of the following criteria: it is a conservative change, it occurs at a poorly conserved position in the protein, it is predicted to be benign by multiple in silico algorithms, and/or has population frequency not consistent with disease.

NM_000052.7(ATP7A):c.3294+907C>T

Gene: ATP7A (ATPase copper transporting alpha; plus strand). Cytogenetic location: Xq21.1.
Variant type: single nucleotide variant.
Coding change: c.3294+907C>T on transcript NM_000052.7 (MANE Select); 907 bases into the intron after coding-DNA position 3294, C replaced by T.
Molecular consequence: intron variant.
Genome position (GRCh38, 1-based): chrX:78,032,489, C>T. VCF-style: chrX-78032489-C-T. GRCh37 (hg19) VCF-style: chrX-77287987-C-T.
Other names: c.3060+907C>T (NM_001282224.2).
Identifiers: ClinVar variation 673230 (VCV000673230.1), dbSNP rs139339244, ClinGen allele CA331105656.